The following is an entry in ClinVar:

ClinVar aggregate classification (germline): Pathogenic (1 of 4 stars; one submission).

Conditions:
Marfan syndrome (MFS). Also called: Marfan syndrome type 1; Marfan's syndrome; FBN1-Related Marfan Syndrome; MARFAN SYNDROME, TYPE I; Marfan syndrome, classic. Identifiers: Orphanet 284963, Orphanet 558, MedGen C0024796, MONDO:0007947, OMIM 154700.
Familial thoracic aortic aneurysm and aortic dissection (TAAD). Also called: Thoracic aortic aneurysms and dissections. Identifiers: Orphanet 91387, MedGen C4707243, MONDO:0019625.

Submission:

Labcorp Genetics (formerly Invitae), Labcorp
Classification: Pathogenic for Marfan syndrome; Familial thoracic aortic aneurysm and aortic dissection. Last evaluated: 2021-04-03. Review status: criteria provided, single submitter. Criteria: Invitae Variant Classification Sherloc (09022015). Collection method: clinical testing. Allele origin: germline.
Comment: This sequence change creates a premature translational stop signal (p.Ser1235*) in the FBN1 gene. It is expected to result in an absent or disrupted protein product. Loss-of-function variants in FBN1 are known to be pathogenic (PMID: 17657824, 19293843). For these reasons, this variant has been classified as Pathogenic. This variant has not been reported in the literature in individuals with FBN1-related conditions. This variant is not present in population databases (ExAC no frequency).

Literature cited by the submitters: PubMed 17657824; PubMed 19293843.

NM_000138.5(FBN1):c.3704C>G (p.Ser1235Ter)

Gene: FBN1 (fibrillin 1; minus strand). Cytogenetic location: 15q21.1.
Variant type: single nucleotide variant.
Coding change: c.3704C>G on transcript NM_000138.5 (MANE Select); coding-DNA position 3704, C replaced by G.
Protein change: p.Ser1235Ter; replaces serine 1235 with a stop codon.
Molecular consequence: nonsense.
Genome position (GRCh38, 1-based): chr15:48,485,382, G>C on the plus strand (C>G on the coding strand, the complement: FBN1 is on the minus strand). VCF-style: chr15-48485382-G-C. GRCh37 (hg19) VCF-style: chr15-48777579-G-C.
Other names: short protein forms S1235*.
Identifiers: ClinVar variation 1391760 (VCV001391760.6), dbSNP rs2141291261, ClinGen allele CA392324308.